The following is an entry in ClinVar:

ClinVar aggregate classification (germline): Uncertain significance. Review status: criteria provided, multiple submitters, no conflicts (2 of 4 stars). 2 submissions from 2 submitters: Uncertain significance (2). Last evaluated 2025-10-21.

Conditions:
Emery-Dreifuss muscular dystrophy (EDMD). Also called: Scapuloperoneal syndrome, X-linked (formerly); Humeroperoneal neuromuscular disease, (formerly). Identifiers: Orphanet 261, MedGen C0410189, MONDO:0016830.

Allele frequency attached by ClinVar (database versions not stated): gnomAD exomes 0.00008 and 0.00009; ExAC 0.00010; gnomAD 0.00011 and 0.00012; ESP Exome Variant Server 0.00015; 1000 Genomes Project 30x 0.00016; 1000 Genomes Project 0.00020.
gnomAD v4.1: 145 of 1,613,548 alleles (0.009%); highest among the groups gnomAD compares: Non-Finnish European, 0.011%; no homozygotes.

Submissions (2):

Labcorp Genetics (formerly Invitae), Labcorp
Classification: Uncertain significance for Emery-Dreifuss muscular dystrophy. Last evaluated: 2025-10-21. Review status: criteria provided, single submitter. Criteria: Invitae Variant Classification Sherloc (09022015). Collection method: clinical testing. Allele origin: germline.
Comment: This sequence change replaces arginine, which is basic and polar, with glutamine, which is neutral and polar, at codon 311 of the SUN2 protein (p.Arg311Gln). This variant is present in population databases (rs376072154, gnomAD 0.01%). This variant has not been reported in the literature in individuals affected with SUN2-related conditions. ClinVar contains an entry for this variant (Variation ID: 1384153). An algorithm developed to predict the effect of missense changes on protein structure and function outputs the following: PolyPhen-2: "Benign". The glutamine amino acid residue is found in multiple mammalian species, which suggests that this missense change does not adversely affect protein function. In summary, the available evidence is currently insufficient to determine the role of this variant in disease. Therefore, it has been classified as a Variant of Uncertain Significance.

Ambry Genetics
Classification: Uncertain significance. Last evaluated: 2024-11-13. Review status: criteria provided, single submitter. Criteria: Ambry Variant Classification Scheme 2023. Collection method: clinical testing. Allele origin: germline.

NM_015374.3(SUN2):c.932G>A (p.Arg311Gln)

Genes: GTPBP1 (GTP binding protein 1; plus strand), SUN2 (Sad1 and UNC84 domain containing 2; minus strand). Cytogenetic location: 22q13.1.
Variant type: single nucleotide variant.
Coding change: c.932G>A on transcript NM_015374.3 (MANE Select); coding-DNA position 932, G replaced by A.
Protein change: p.Arg311Gln; replaces arginine 311 with glutamine.
Molecular consequence: missense variant. On other transcripts: intron variant (3).
Genome position (GRCh38, 1-based): chr22:38,742,437, C>T on the plus strand (G>A on the coding strand, the complement: SUN2 is on the minus strand). VCF-style: chr22-38742437-C-T. GRCh37 (hg19) VCF-style: chr22-39138442-C-T.
Other names: c.932G>A (NM_015374.2); c.995G>A, p.Arg332Gln (NM_001199579.2, NM_001394428.1); c.932G>A, p.Arg311Gln (NM_001199580.2, NM_001394431.1, NM_001394432.1 and 5 more transcripts); c.1025G>A, p.Arg342Gln (NM_001394427.1); c.977G>A, p.Arg326Gln (NM_001394429.1, NM_001394430.1); c.842G>A, p.Arg281Gln (NM_001394438.1); c.794G>A, p.Arg265Gln (NM_001394439.1, NM_001394440.1, NM_001394441.1); c.440G>A, p.Arg147Gln (NM_001394443.1); and 2 more; short protein forms R265Q, R281Q, R342Q, R326Q, R147Q, R311Q, R332Q.
Identifiers: ClinVar variation 1384153 (VCV001384153.7), dbSNP rs376072154, ClinGen allele CA10235713.
Genomic context (GRCh38, chr22:38,742,437, plus strand): 5'-AGCGCCAGGGTGTCCTCGTGGCTCAGGCCACCACCACCTCCCTGGCCAGGAGCCCCTTGC[C>T]GCAGCTCCAGACGTTCCAGCCGCATGGCCTCCTTCTGCCAGTTGGAGGAAAATTCAGCAG-3'
Protein context (NP_056189.1, residues 301-321): EAMRLERLEL[Arg311Gln]QGAPGQGGGG